The following is an entry in ClinVar:

NM_014317.5(PDSS1):c.665T>C (p.Ile222Thr)

Gene: PDSS1 (decaprenyl diphosphate synthase subunit 1; plus strand). Cytogenetic location: 10p12.1.
Variant type: single nucleotide variant.
Coding change: c.665T>C on transcript NM_014317.5 (MANE Select); coding-DNA position 665, T replaced by C.
Protein change: p.Ile222Thr; replaces isoleucine 222 with threonine.
Molecular consequence: missense variant.
Genome position (GRCh38, 1-based): chr10:26,723,861, T>C. VCF-style: chr10-26723861-T-C. GRCh37 (hg19) VCF-style: chr10-27012790-T-C.
Other names: c.665T>C, p.Ile222Thr (NM_001321978.2); c.155T>C, p.Ile52Thr (NM_001321979.2); short protein forms I222T, I52T.
Identifiers: ClinVar variation 1361620 (VCV001361620.5), dbSNP rs756256267, ClinGen allele CA5446993.

ClinVar aggregate classification (germline): Uncertain significance (1 of 4 stars; one submission).

Allele frequency attached by ClinVar (database versions not stated): gnomAD exomes below 0.00001; ExAC 0.00001.

Submission:

Labcorp Genetics (formerly Invitae), Labcorp
Classification: Uncertain significance. Last evaluated: 2022-02-02. Review status: criteria provided, single submitter. Criteria: Invitae Variant Classification Sherloc (09022015). Collection method: clinical testing. Allele origin: germline.
Comment: This sequence change replaces isoleucine, which is neutral and non-polar, with threonine, which is neutral and polar, at codon 222 of the PDSS1 protein (p.Ile222Thr). This variant is present in population databases (rs756256267, gnomAD 0.003%). This variant has not been reported in the literature in individuals affected with PDSS1-related conditions. Algorithms developed to predict the effect of missense changes on protein structure and function output the following: SIFT: "Not Available"; PolyPhen-2: "Benign"; Align-GVGD: "Not Available". The threonine amino acid residue is found in multiple mammalian species, which suggests that this missense change does not adversely affect protein function. In summary, the available evidence is currently insufficient to determine the role of this variant in disease. Therefore, it has been classified as a Variant of Uncertain Significance.